The following is an entry in ClinVar:

NM_001379200.1(TBX1):c.1138C>T (p.Pro380Ser)

Gene: TBX1 (T-box transcription factor 1; plus strand). Cytogenetic location: 22q11.21.
Variant type: single nucleotide variant.
Coding change: c.1138C>T on transcript NM_001379200.1 (MANE Select); coding-DNA position 1138, C replaced by T.
Protein change: p.Pro380Ser; replaces proline 380 with serine.
Molecular consequence: missense variant. On other transcripts: intron variant (2).
Genome position (GRCh38, 1-based): chr22:19,766,490, C>T. VCF-style: chr22-19766490-C-T. GRCh37 (hg19) VCF-style: chr22-19754013-C-T.
Other names: c.1111C>T, p.Pro371Ser (NM_080647.1); c.1009+488C>T (NM_005992.1, NM_080646.2); short protein forms P380S, P371S.
Identifiers: ClinVar variation 1496768 (VCV001496768.8), dbSNP rs922499443, ClinGen allele CA322058169.
Genomic context (GRCh38, chr22:19,766,490, plus strand): 5'-GGGCCAGCAGTGCTCGGGGACCCGGCGCATCCTCCGCAGCTGCTGGCCCGGGTGCTAAGC[C>T]CCTCGCTGCCCGGGGCCGGCGGCGCCGGCGGCTTAGTCCCGCTGCCCGGCGCGCCCGGAG-3'
Protein context (NP_001366129.1, residues 370-390): PPQLLARVLS[Pro380Ser]SLPGAGGAGG

ClinVar aggregate classification (germline): Uncertain significance (1 of 4 stars; one submission).

Conditions:
DiGeorge syndrome. Also called: THIRD AND FOURTH PHARYNGEAL POUCH SYNDROME; Catch22. Identifiers: Orphanet 567, MedGen C0012236, MONDO:0008564, OMIM 188400.

Allele frequency attached by ClinVar (database versions not stated): gnomAD exomes below 0.00001.
gnomAD v4.1: 4 of 1,315,450 alleles (0.0003%); highest among the groups gnomAD compares: Non-Finnish European, 0.00039%; no homozygotes.

Submission:

Labcorp Genetics (formerly Invitae), Labcorp
Classification: Uncertain significance for DiGeorge syndrome. Last evaluated: 2024-05-06. Review status: criteria provided, single submitter. Criteria: Invitae Variant Classification Sherloc (09022015). Collection method: clinical testing. Allele origin: germline.
Comment: This sequence change replaces proline, which is neutral and non-polar, with serine, which is neutral and polar, at codon 371 of the TBX1 protein (p.Pro371Ser). This variant is not present in population databases (gnomAD no frequency). This variant has not been reported in the literature in individuals affected with TBX1-related conditions. ClinVar contains an entry for this variant (Variation ID: 1496768). An algorithm developed to predict the effect of missense changes on protein structure and function (PolyPhen-2) suggests that this variant is likely to be tolerated. In summary, the available evidence is currently insufficient to determine the role of this variant in disease. Therefore, it has been classified as a Variant of Uncertain Significance.